The following is an entry in ClinVar:

NM_001436401.1(NOBOX):c.1118+13C>T

Gene: NOBOX (NOBOX oogenesis homeobox; minus strand). Cytogenetic location: 7q35.
Variant type: single nucleotide variant.
Coding change: c.1118+13C>T on transcript NM_001436401.1 (MANE Select); 13 bases into the intron after coding-DNA position 1118, C replaced by T.
Molecular consequence: intron variant.
Genome position (GRCh38, 1-based): chr7:144,398,937, G>A on the plus strand (C>T on the coding strand, the complement: NOBOX is on the minus strand). VCF-style: chr7-144398937-G-A. GRCh37 (hg19) VCF-style: chr7-144096030-G-A.
Other names: NM_001080413.3:c.1469+13C>T; c.566+13C>T (NM_001436402.1).
Identifiers: ClinVar variation 908268 (VCV000908268.5), dbSNP rs376169208, ClinGen allele CA4544548.

ClinVar aggregate classification (germline): Likely benign. Review status: criteria provided, multiple submitters, no conflicts (2 of 4 stars). 2 submissions from 2 submitters: Likely benign (2). Last evaluated 2018-01-12.

Conditions:
Premature ovarian failure 5 (POF5). Identifiers: MedGen C1969060, MONDO:0012689, OMIM 611548.

Allele frequency attached by ClinVar (database versions not stated): gnomAD exomes 0.00008; TOPMed 0.00008; ExAC 0.00010; gnomAD 0.00011 and 0.00012; ESP Exome Variant Server 0.00017.
gnomAD v4.1: 218 of 1,468,496 alleles (0.015%); highest among the groups gnomAD compares: Non-Finnish European, 0.017%; no homozygotes.

Submissions (2):

Illumina Laboratory Services, Illumina
Classification: Likely benign for Premature ovarian failure 5. Last evaluated: 2018-01-12. Review status: criteria provided, single submitter. Criteria: ICSL Variant Classification Criteria 13 December 2019. Collection method: clinical testing. Allele origin: germline.
Comment: This variant was observed in the ICSL laboratory as part of a predisposition screen in an ostensibly healthy population. It had not been previously curated by ICSL or reported in the Human Gene Mutation Database (HGMD: prior to June 1st, 2018), and was therefore a candidate for classification through an automated scoring system. Utilizing variant allele frequency, disease prevalence and penetrance estimates, and inheritance mode, an automated score was calculated to assess if this variant is too frequent to cause the disease. Based on the score and internal cut-off values, a variant classified as likely benign is not then subjected to further curation. The score for this variant resulted in a classification of likely benign for this disease.

Breakthrough Genomics
Classification: Likely benign. Review status: criteria provided, single submitter. Criteria: ACMG Guidelines, 2015. Collection method: not provided. Allele origin: germline. Inheritance: Autosomal dominant inheritance. Affected: yes.